The following is an entry in ClinVar:

NM_080680.3(COL11A2):c.311A>G (p.Tyr104Cys)

Gene: COL11A2 (collagen type XI alpha 2 chain; minus strand). Cytogenetic location: 6p21.32.
Variant type: single nucleotide variant.
Coding change: c.311A>G on transcript NM_080680.3 (MANE Select); coding-DNA position 311, A replaced by G.
Protein change: p.Tyr104Cys; replaces tyrosine 104 with cysteine.
Molecular consequence: missense variant. On other transcripts: 5 prime UTR variant (3), non-coding transcript variant (1).
Genome position (GRCh38, 1-based): chr6:33,189,110, T>C on the plus strand (A>G on the coding strand, the complement: COL11A2 is on the minus strand). VCF-style: chr6-33189110-T-C. GRCh37 (hg19) VCF-style: chr6-33156887-T-C.
Other names: c.311A>G, p.Tyr104Cys (NM_001163771.2, NM_001424108.1, NM_080679.3 and 1 more transcripts); c.-536A>G (NM_001424109.1, NM_001424110.1, NM_001424111.1); short protein forms Y104C.
Identifiers: ClinVar variation 4776747 (VCV004776747.2).

ClinVar aggregate classification (germline): Uncertain significance. Review status: criteria provided, multiple submitters, no conflicts (2 of 4 stars). 2 submissions from 2 submitters: Uncertain significance (2). Last evaluated 2025-09-15.

gnomAD v4.1: 6 of 1,613,980 alleles (0.00037%); highest among the groups gnomAD compares: South Asian, 0.0033%; no homozygotes.

Submissions (2):

Labcorp Genetics (formerly Invitae), Labcorp
Classification: Uncertain significance. Last evaluated: 2025-09-15. Review status: criteria provided, single submitter. Criteria: Invitae Variant Classification Sherloc (09022015). Collection method: clinical testing. Allele origin: germline.
Comment: This sequence change replaces tyrosine, which is neutral and polar, with cysteine, which is neutral and slightly polar, at codon 104 of the COL11A2 protein (p.Tyr104Cys). This variant is present in population databases (rs772279724, gnomAD 0.006%). This variant has not been reported in the literature in individuals affected with COL11A2-related conditions. Invitae Evidence Modeling of protein sequence and biophysical properties (such as structural, functional, and spatial information, amino acid conservation, physicochemical variation, residue mobility, and thermodynamic stability) indicates that this missense variant is not expected to disrupt COL11A2 protein function with a negative predictive value of 95%. In summary, the available evidence is currently insufficient to determine the role of this variant in disease. Therefore, it has been classified as a Variant of Uncertain Significance.

Blueprint Genetics
Classification: Uncertain significance. Last evaluated: 2024-06-13. Review status: criteria provided, single submitter. Criteria: ACMG Guidelines, 2015. Collection method: clinical testing. Allele origin: germline.